The following is an entry in ClinVar:

NM_000059.4(BRCA2):c.9378G>C (p.Gln3126His)

Gene: BRCA2 (BRCA2 DNA repair associated; plus strand). Cytogenetic location: 13q13.1.
Variant type: single nucleotide variant.
Coding change: c.9378G>C on transcript NM_000059.4 (MANE Select); coding-DNA position 9378, G replaced by C.
Protein change: p.Gln3126His; replaces glutamine 3126 with histidine.
Molecular consequence: missense variant.
Genome position (GRCh38, 1-based): chr13:32,394,810, G>C. VCF-style: chr13-32394810-G-C. GRCh37 (hg19) VCF-style: chr13-32968947-G-C.
Other names: short protein forms Q3126H.
Identifiers: ClinVar variation 1326024 (VCV001326024.3), dbSNP rs786203495, ClinGen allele CA387761244.

ClinVar aggregate classification (germline): Uncertain significance. Review status: criteria provided, multiple submitters, no conflicts (2 of 4 stars). 2 submissions from 2 submitters: Uncertain significance (2). Last evaluated 2024-10-07.

Submissions (2):

Quest Diagnostics Nichols Institute San Juan Capistrano
Classification: Uncertain significance. Last evaluated: 2024-10-07. Review status: criteria provided, single submitter. Criteria: Quest Diagnostics criteria. Collection method: clinical testing. Allele origin: unknown.
Comment: The BRCA2 c.9378G>C (p.Gln3126His) variant has not been reported in individuals with BRCA2-related conditions in the published literature. It also has not been reported in large, multi-ethnic general populations (Genome Aggregation Database). Analysis of this variant using bioinformatics tools for the prediction of the effect of amino acid changes on protein structure and function yielded conflicting predictions that this variant is benign or damaging. Based on the available information, we are unable to determine the clinical significance of this variant

GeneDx
Classification: Uncertain significance. Last evaluated: 2021-05-17. Review status: criteria provided, single submitter. Criteria: GeneDx Variant Classification Process June 2021. Collection method: clinical testing. Allele origin: germline. Affected: yes.
Comment: Not observed in large population cohorts (Lek 2016); In silico analysis supports that this missense variant does not alter protein structure/function; Has not been previously published as pathogenic or benign to our knowledge; Also known as 9606G>C; This variant is associated with the following publications: (PMID: 9150154)

Literature cited by the submitters: PubMed 35402282 (cited by Quest Diagnostics Nichols Institute San Juan Capistrano).